The following is an entry in ClinVar:

ClinVar aggregate classification (germline): Uncertain significance (1 of 4 stars; one submission).

gnomAD v4.1: 1 of 1,613,764 alleles (0.000062%); highest among the groups gnomAD compares: Non-Finnish European, 0.000085%; no homozygotes.

Submission:

CeGaT Center for Human Genetics Tuebingen
Classification: Uncertain significance. Last evaluated: 2025-08-01. Review status: criteria provided, single submitter. Criteria: CeGaT Center For Human Genetics Tuebingen Variant Classification Criteria Version 2. Collection method: clinical testing. Allele origin: germline. Affected: yes. Observed: 1 variant allele.
Comment: ADGRL1: PM2

NM_014921.5(ADGRL1):c.3295G>A (p.Val1099Met)

Genes: ADGRL1 (adhesion G protein-coupled receptor L1; minus strand), ADGRL1-AS1 (ADGRL1 antisense RNA 1; plus strand). Cytogenetic location: 19p13.12.
Variant type: single nucleotide variant.
Coding change: c.3295G>A on transcript NM_014921.5 (MANE Select); coding-DNA position 3295, G replaced by A.
Protein change: p.Val1099Met; replaces valine 1099 with methionine.
Molecular consequence: missense variant.
Genome position (GRCh38, 1-based): chr19:14,152,912, C>T on the plus strand (G>A on the coding strand, the complement: ADGRL1 is on the minus strand). VCF-style: chr19-14152912-C-T. GRCh37 (hg19) VCF-style: chr19-14263724-C-T.
Other names: c.3310G>A, p.Val1104Met (NM_001008701.3); short protein forms V1099M, V1104M.
Identifiers: ClinVar variation 4084981 (VCV004084981.8).